The following is an entry in ClinVar:

NM_001330360.2(POLA1):c.860A>T (p.Glu287Val)

Gene: POLA1 (DNA polymerase alpha 1, catalytic subunit; plus strand). Cytogenetic location: Xp22.11.
Variant type: single nucleotide variant.
Coding change: c.860A>T on transcript NM_001330360.2 (MANE Select); coding-DNA position 860, A replaced by T.
Protein change: p.Glu287Val; replaces glutamic acid 287 with valine.
Molecular consequence: missense variant. On other transcripts: non-coding transcript variant (2).
Genome position (GRCh38, 1-based): chrX:24,717,443, A>T. VCF-style: chrX-24717443-A-T. GRCh37 (hg19) VCF-style: chrX-24735560-A-T.
Other names: c.842A>T (NM_016937.3); c.860A>T, p.Glu287Val (NM_001378303.1); c.842A>T, p.Glu281Val (NM_016937.4); short protein forms E281V, E287V.
Identifiers: ClinVar variation 3685453 (VCV003685453.3).

ClinVar aggregate classification (germline): Uncertain significance. Review status: criteria provided, multiple submitters, no conflicts (2 of 4 stars). 2 submissions from 2 submitters: Uncertain significance (2). Last evaluated 2026-01-21.

Conditions:
Inborn genetic diseases. Identifiers: MedGen C0950123, MeSH D030342.

gnomAD v4.1: 7 of 1,210,181 alleles (0.00058%); highest among the groups gnomAD compares: Non-Finnish European, 0.00078%; no homozygotes.

Submissions (2):

Ambry Genetics
Classification: Uncertain significance for Inborn genetic diseases. Last evaluated: 2026-01-21. Review status: criteria provided, single submitter. Criteria: Ambry Variant Classification Scheme 2023. Collection method: clinical testing. Allele origin: germline.

Labcorp Genetics (formerly Invitae), Labcorp
Classification: Uncertain significance. Last evaluated: 2024-05-18. Review status: criteria provided, single submitter. Criteria: Invitae Variant Classification Sherloc (09022015). Collection method: clinical testing. Allele origin: germline.
Comment: This sequence change replaces glutamic acid, which is acidic and polar, with valine, which is neutral and non-polar, at codon 281 of the POLA1 protein (p.Glu281Val). This variant is not present in population databases (gnomAD no frequency). This variant has not been reported in the literature in individuals affected with POLA1-related conditions. Advanced modeling of protein sequence and biophysical properties (such as structural, functional, and spatial information, amino acid conservation, physicochemical variation, residue mobility, and thermodynamic stability) performed at Invitae indicates that this missense variant is not expected to disrupt POLA1 protein function with a negative predictive value of 80%. In summary, the available evidence is currently insufficient to determine the role of this variant in disease. Therefore, it has been classified as a Variant of Uncertain Significance.